The following is an entry in ClinVar:

ClinVar aggregate classification (germline): Uncertain significance (1 of 4 stars; one submission).

Conditions:
Propionic acidemia (PROP). Also called: GLYCINEMIA, KETOTIC; HYPERGLYCINEMIA WITH KETOACIDOSIS AND LEUKOPENIA; KETOTIC HYPERGLYCINEMIA. Identifiers: Orphanet 35, MedGen C0268579, MONDO:0011628, OMIM 606054, HP:0003571.

Submission:

Labcorp Genetics (formerly Invitae), Labcorp
Classification: Uncertain significance for Propionic acidemia. Last evaluated: 2020-04-28. Review status: criteria provided, single submitter. Criteria: Invitae Variant Classification Sherloc (09022015). Collection method: clinical testing. Allele origin: germline.
Comment: This variant results in a copy number gain of the genomic region encompassing exons 20-24 of the PCCA gene. The 5' boundary is likely confined to intron 19. The 3' end of this event is unknown as it extends beyond the assayed region for this gene and therefore may encompass additional genes. As the precise location of this event is unknown, it may be in tandem or it may be located elsewhere in the genome. This variant has not been reported in the literature in individuals with PCCA-related conditions. In summary, the available evidence is currently insufficient to determine the role of this variant in disease. Therefore, it has been classified as a Variant of Uncertain Significance.

NC_000013.10:g.(?_101077867)_(101182440_?)dup

Genes: GGACT (gamma-glutamylamine cyclotransferase; minus strand), PCCA (propionyl-CoA carboxylase subunit alpha; plus strand). Cytogenetic location: 13q32.3.
Variant type: Duplication.
Identifiers: ClinVar variation 1041203 (VCV001041203.1).